The following is an entry in ClinVar:

NM_020771.4(HACE1):c.2611_2613del (p.Pro871del)

Gene: HACE1 (HECT domain and ankyrin repeat containing E3 ubiquitin protein ligase 1; minus strand). Cytogenetic location: 6q16.3.
Variant type: Deletion.
Coding change: c.2611_2613del on transcript NM_020771.4 (MANE Select); coding-DNA positions 2611 to 2613, 3 bases deleted (CCA; older notation c.2611_2613delCCA).
Protein change: p.Pro871del; deletes proline 871.
Molecular consequence: inframe deletion. On other transcripts: non-coding transcript variant (7).
Genome position (GRCh38, 1-based): chr6:104,730,317-104,730,319, TGG deleted on the plus strand (CCA on the coding strand, the reverse complement: HACE1 is on the minus strand); deleting any 3 consecutive bases within chr6:104,730,317-104,730,320 gives the same sequence; the c. name uses the placement nearest the transcript's 3' end. VCF-style (leftmost placement, unchanged base first): chr6-104730316-TTGG-T. GRCh37 (hg19) VCF-style: chr6-105178191-TTGG-T.
Other names: c.2479_2481del, p.Pro827del (NM_001321080.2); c.2509_2511del, p.Pro837del (NM_001321083.2); c.2107_2109del, p.Pro703del (NM_001321084.2, NM_001350557.2, NM_001350558.2); c.2377_2379del, p.Pro793del (NM_001350554.2); c.2320_2322del, p.Pro774del (NM_001350555.2); c.2125_2127del, p.Pro709del (NM_001350556.2); c.2029_2031del, p.Pro677del (NM_001350559.2); c.1828_1830del, p.Pro610del (NM_001350560.2); short protein forms P610del, P677del, P703del, P709del, P774del, P793del, P827del, P837del.
Identifiers: ClinVar variation 4884004 (VCV004884004.2).

ClinVar aggregate classification (germline): Uncertain significance (1 of 4 stars; one submission).

Submission:

Dasa
Classification: Uncertain significance. Last evaluated: 2025-10-02. Review status: criteria provided, single submitter. Criteria: DASA Assertion Criteria. Collection method: clinical testing. Allele origin: germline.
Comment: NM_020771.4(HACE1):c.2611_2613del (p.Pro871del) is an in-frame deletion predicted to remove proline at protein position 871 without shifting the reading frame. This variant is absent from population databases. The currently available literature and clinical evidence are not sufficient to establish a definitive association between this variant and the reported condition. Therefore, this variant is classified as a variant of uncertain significance.